The following is an entry in ClinVar:

ClinVar aggregate classification (germline): Likely pathogenic (1 of 4 stars; one submission).

Conditions:
Short-rib thoracic dysplasia 14 with polydactyly (SRTD14). Identifiers: Orphanet 397715, MedGen C4225286, MONDO:0014688, OMIM 616546.
Joubert syndrome 23 (JBTS23). Identifiers: Orphanet 475, MedGen C4084822, MONDO:0014664, OMIM 616490.

Submission:

Labcorp Genetics (formerly Invitae), Labcorp
Classification: Likely pathogenic for Joubert syndrome 23; Short-rib thoracic dysplasia 14 with polydactyly. Last evaluated: 2022-11-01. Review status: criteria provided, single submitter. Criteria: Invitae Variant Classification Sherloc (09022015). Collection method: clinical testing. Allele origin: germline.
Comment: This sequence change affects a donor splice site in intron 21 of the KIAA0586 gene. It is expected to disrupt RNA splicing. Variants that disrupt the donor or acceptor splice site typically lead to a loss of protein function (PMID: 16199547), and loss-of-function variants in KIAA0586 are known to be pathogenic (PMID: 26096313, 26166481, 26386044). This variant is not present in population databases (gnomAD no frequency). This variant has not been reported in the literature in individuals affected with KIAA0586-related conditions. ClinVar contains an entry for this variant (Variation ID: 1477276). Algorithms developed to predict the effect of sequence changes on RNA splicing suggest that this variant may disrupt the consensus splice site. In summary, the currently available evidence indicates that the variant is pathogenic, but additional data are needed to prove that conclusively. Therefore, this variant has been classified as Likely Pathogenic.

Literature cited by the submitters: PubMed 16199547; PubMed 26096313; PubMed 26166481; PubMed 26386044.

NM_001329943.3(KIAA0586):c.2825+1G>A

Gene: KIAA0586 (KIAA0586; plus strand). Cytogenetic location: 14q23.1.
Variant type: single nucleotide variant.
Coding change: c.2825+1G>A on transcript NM_001329943.3 (MANE Select); the canonical splice donor site of the intron after coding-DNA position 2825, G replaced by A.
Molecular consequence: splice donor variant.
Genome position (GRCh38, 1-based): chr14:58,474,798, G>A. VCF-style: chr14-58474798-G-A. GRCh37 (hg19) VCF-style: chr14-58941516-G-A.
Other names: c.2984+1G>A (NM_001244189.2); c.2780+1G>A (NM_001244190.2); c.2693+1G>A (NM_001244192.2); c.2570+1G>A (NM_001244191.2, NM_001364701.2, NM_001329945.2 and 1 more transcripts); c.2825+1G>A (NM_001329944.2, NM_001329946.2, NM_001329947.2); c.2597+1G>A (NM_014749.5); c.2405+1G>A (NM_001244193.2).
Identifiers: ClinVar variation 1477276 (VCV001477276.8), dbSNP rs2141025675, ClinGen allele CA389878218.